The following is an entry in ClinVar:

ClinVar aggregate classification (germline): Likely benign (1 of 4 stars; one submission).

gnomAD v4.1: 488 of 1,614,034 alleles (0.03%); highest among the groups gnomAD compares: South Asian, 0.5%; 1 homozygote.

Submission:

CeGaT Center for Human Genetics Tuebingen
Classification: Likely benign. Last evaluated: 2025-06-01. Review status: criteria provided, single submitter. Criteria: CeGaT Center For Human Genetics Tuebingen Variant Classification Criteria Version 2. Collection method: clinical testing. Allele origin: germline. Affected: yes. Observed: 1 variant allele.
Comment: TM6SF2: BP4, BP7

NM_001001524.3(TM6SF2):c.648G>A (p.Pro216=)

Gene: TM6SF2 (transmembrane 6 superfamily member 2; minus strand). Cytogenetic location: 19p13.11.
Variant type: single nucleotide variant.
Coding change: c.648G>A on transcript NM_001001524.3 (MANE Select); coding-DNA position 648, G replaced by A.
Protein change: p.Pro216=; no amino-acid change (proline 216 retained).
Molecular consequence: synonymous variant.
Genome position (GRCh38, 1-based): chr19:19,268,049, C>T on the plus strand (G>A on the coding strand, the complement: TM6SF2 is on the minus strand). VCF-style: chr19-19268049-C-T. GRCh37 (hg19) VCF-style: chr19-19378858-C-T.
Identifiers: ClinVar variation 3905251 (VCV003905251.10).